The following is an entry in ClinVar:

ClinVar aggregate classification (germline): Uncertain significance (1 of 4 stars; one submission).

Conditions:
Hereditary cancer-predisposing syndrome. Also called: Tumor predisposition; Neoplastic Syndromes, Hereditary; Hereditary Cancer Syndrome; Hereditary neoplastic syndrome. Identifiers: Orphanet 140162, MedGen C0027672, MeSH D009386, MONDO:0015356.

Submission:

Ambry Genetics
Classification: Uncertain significance for Hereditary cancer-predisposing syndrome. Last evaluated: 2024-10-15. Review status: criteria provided, single submitter. Criteria: Ambry Variant Classification Scheme 2023. Collection method: clinical testing. Allele origin: germline.
Comment: The p.G47R variant (also known as c.139G>A), located in coding exon 2 of the BMPR1A gene, results from a G to A substitution at nucleotide position 139. The glycine at codon 47 is replaced by arginine, an amino acid with dissimilar properties. This amino acid position is conserved. In addition, the in silico prediction for this alteration is inconclusive. Based on the available evidence, the clinical significance of this variant remains unclear.

NM_004329.3(BMPR1A):c.139G>A (p.Gly47Arg)

Gene: BMPR1A (bone morphogenetic protein receptor type 1A; plus strand). Cytogenetic location: 10q23.2.
Variant type: single nucleotide variant.
Coding change: c.139G>A on transcript NM_004329.3 (MANE Select); coding-DNA position 139, G replaced by A.
Protein change: p.Gly47Arg; replaces glycine 47 with arginine.
Molecular consequence: missense variant. On other transcripts: non-coding transcript variant (3).
Genome position (GRCh38, 1-based): chr10:86,890,133, G>A. VCF-style: chr10-86890133-G-A. GRCh37 (hg19) VCF-style: chr10-88649890-G-A.
Other names: c.139G>A, p.Gly47Arg (NM_001406559.1, NM_001406560.1, NM_001406561.1 and 23 more transcripts); c.55G>A, p.Gly19Arg (NM_001406584.1, NM_001406585.1, NM_001406586.1 and 2 more transcripts); short protein forms G47R, G19R.
Identifiers: ClinVar variation 3481233 (VCV003481233.1).
Genomic context (GRCh38, chr10:86,890,133, plus strand): 5'-GATAGTATGCTTCATGGCACTGGGATGAAATCAGACTCCGACCAGAAAAAGTCAGAAAAT[G>A]GAGTAACCTTAGCACCAGAGGATACCTTGCCTTTTTTAAAGTGCTATTGCTCAGGGCACT-3'
Protein context (NP_004320.2, residues 37-57): SDSDQKKSEN[Gly47Arg]VTLAPEDTLP